The following is an entry in ClinVar:

ClinVar aggregate classification (germline): Uncertain significance (1 of 4 stars; one submission).

Conditions:
Hereditary cancer-predisposing syndrome. Also called: Tumor predisposition; Hereditary neoplastic syndrome; Hereditary Cancer Syndrome; Neoplastic Syndromes, Hereditary. Identifiers: Orphanet 140162, MedGen C0027672, MeSH D009386, MONDO:0015356.

Submission:

Ambry Genetics
Classification: Uncertain significance for Hereditary cancer-predisposing syndrome. Last evaluated: 2025-05-16. Review status: criteria provided, single submitter. Criteria: Ambry Variant Classification Scheme 2023. Collection method: clinical testing. Allele origin: germline.
Comment: The p.R948G variant (also known as c.2842A>G), located in coding exon 25 of the TSC2 gene, results from an A to G substitution at nucleotide position 2842. The arginine at codon 948 is replaced by glycine, an amino acid with dissimilar properties. This amino acid position is conserved. In addition, this alteration is predicted to be deleterious by in silico analysis. Based on the available evidence, the clinical significance of this variant remains unclear.

NM_000548.5(TSC2):c.2842A>G (p.Arg948Gly)

Gene: TSC2 (TSC complex subunit 2; plus strand). Cytogenetic location: 16p13.3.
Variant type: single nucleotide variant.
Coding change: c.2842A>G on transcript NM_000548.5 (MANE Select); coding-DNA position 2842, A replaced by G.
Protein change: p.Arg948Gly; replaces arginine 948 with glycine.
Molecular consequence: missense variant. On other transcripts: intron variant (31).
Genome position (GRCh38, 1-based): chr16:2,077,602, A>G. VCF-style: chr16-2077602-A-G. GRCh37 (hg19) VCF-style: chr16-2127603-A-G.
Other names: c.2731A>G, p.Arg911Gly (NM_001406670.1); c.2695A>G, p.Arg899Gly (NM_001406675.1, NM_001406676.1); c.2242A>G, p.Arg748Gly (NM_001406680.1, NM_001406682.1, NM_001406684.1 and 1 more transcripts); c.1493+1017A>G (NM_001406691.1, NM_001406697.1, NM_001406693.1 and 5 more transcripts); c.2927+1017A>G (NM_001406668.1, NM_001406667.1); c.1498A>G, p.Arg500Gly (NM_001406689.1); c.2237+1017A>G (NM_001406687.1, NM_001318831.2, NM_001406688.1 and 2 more transcripts); c.2780+1017A>G (NM_001406677.1); and 8 more; short protein forms R748G, R948G, R500G, R899G, R911G.
Identifiers: ClinVar variation 3974582 (VCV003974582.1).